The following is an entry in ClinVar:

ClinVar aggregate classification (germline): Uncertain significance. Review status: criteria provided, multiple submitters, no conflicts (2 of 4 stars). 2 submissions from 2 submitters: Uncertain significance (2). Last evaluated 2025-03-09.

Conditions:
Kabuki syndrome 1 (KABUK1). Also called: KMT2D-Related Kabuki Syndrome. Identifiers: Orphanet 2322, MedGen CN030661, MONDO:0007843, OMIM 147920.
Choanal atresia-athelia-hypothyroidism-delayed puberty-short stature syndrome (BCAHH). Also called: BRANCHIAL ARCH ABNORMALITIES, CHOANAL ATRESIA, ATHELIA, HEARING LOSS, AND HYPOTHYROIDISM SYNDROME. Identifiers: Orphanet 589856, MedGen C5680310, MONDO:0035651, OMIM 620186.
Kabuki syndrome. Also called: NIIKAWA-KUROKI SYNDROME; Kabuki make-up syndrome. Identifiers: Orphanet 2322, MedGen C0796004, MONDO:0016512.

Allele frequency attached by ClinVar (database versions not stated): gnomAD exomes below 0.00001.
gnomAD v4.1: 1 of 1,613,696 alleles (0.000062%); highest among the groups gnomAD compares: South Asian, 0.0011%; no homozygotes.

Submissions (2):

Labcorp Genetics (formerly Invitae), Labcorp
Classification: Uncertain significance for Kabuki syndrome. Last evaluated: 2025-03-09. Review status: criteria provided, single submitter. Criteria: Invitae Variant Classification Sherloc (09022015). Collection method: clinical testing. Allele origin: germline.
Comment: This sequence change replaces proline, which is neutral and non-polar, with serine, which is neutral and polar, at codon 1170 of the KMT2D protein (p.Pro1170Ser). This variant is not present in population databases (gnomAD no frequency). This variant has not been reported in the literature in individuals affected with KMT2D-related conditions. ClinVar contains an entry for this variant (Variation ID: 2039079). Invitae Evidence Modeling of protein sequence and biophysical properties (such as structural, functional, and spatial information, amino acid conservation, physicochemical variation, residue mobility, and thermodynamic stability) indicates that this missense variant is not expected to disrupt KMT2D protein function with a negative predictive value of 95%. In summary, the available evidence is currently insufficient to determine the role of this variant in disease. Therefore, it has been classified as a Variant of Uncertain Significance.

Fulgent Genetics
Classification: Uncertain significance for Kabuki syndrome 1; Choanal atresia-athelia-hypothyroidism-delayed puberty-short stature syndrome. Last evaluated: 2024-03-18. Review status: criteria provided, single submitter. Criteria: ACMG Guidelines, 2015. Collection method: clinical testing. Allele origin: germline.

NM_003482.4(KMT2D):c.3508C>T (p.Pro1170Ser)

Genes: KMT2D (lysine methyltransferase 2D; minus strand), LOC126861520 (CDK7 strongly-dependent group 2 enhancer GRCh37_chr12:49442744-49443943; plus strand). Cytogenetic location: 12q13.12.
Variant type: single nucleotide variant.
Coding change: c.3508C>T on transcript NM_003482.4 (MANE Select); coding-DNA position 3508, C replaced by T.
Protein change: p.Pro1170Ser; replaces proline 1170 with serine.
Molecular consequence: missense variant.
Genome position (GRCh38, 1-based): chr12:49,050,080, G>A on the plus strand (C>T on the coding strand, the complement: KMT2D is on the minus strand). VCF-style: chr12-49050080-G-A. GRCh37 (hg19) VCF-style: chr12-49443863-G-A.
Other names: short protein forms P1170S.
Identifiers: ClinVar variation 2039079 (VCV002039079.5), dbSNP rs2120645389, ClinGen allele CA384656526.